The following is an entry in ClinVar:

NM_205768.3(ZBTB18):c.446A>G (p.Lys149Arg)

Gene: ZBTB18 (zinc finger and BTB domain containing 18; plus strand). Cytogenetic location: 1q44.
Variant type: single nucleotide variant.
Coding change: c.446A>G on transcript NM_205768.3 (MANE Select); coding-DNA position 446, A replaced by G.
Protein change: p.Lys149Arg; replaces lysine 149 with arginine.
Molecular consequence: missense variant.
Genome position (GRCh38, 1-based): chr1:244,054,220, A>G. VCF-style: chr1-244054220-A-G. GRCh37 (hg19) VCF-style: chr1-244217522-A-G.
Other names: c.419A>G, p.Lys140Arg (NM_001278196.2, NM_006352.5); short protein forms K140R, K149R.
Identifiers: ClinVar variation 1805570 (VCV001805570.1), dbSNP rs1698407726, ClinGen allele CA345672929.
Genomic context (GRCh38, chr1:244,054,220, plus strand): 5'-AAGCCACCACGGAGGCAGACAGCACCAAAAAGGAAGAAGATGCTTCAAGTTGTTCGGACA[A>G]AGTCGAGAGTCTCTCCGATGGCAGCAGCCACATAGCAGGCGATTTGCCCAGTGATGAAGA-3'
Protein context (NP_991331.1, residues 139-159): KEEDASSCSD[Lys149Arg]VESLSDGSSH

ClinVar aggregate classification (germline): Uncertain significance (1 of 4 stars; one submission).

Conditions:
Intellectual developmental disorder, autosomal dominant 22. Also called: Intellectual disability, autosomal dominant 22. Identifiers: MedGen CN029689, MONDO:0012869, OMIM 612337.

Allele frequency attached by ClinVar (database versions not stated): gnomAD exomes below 0.00001; TOPMed below 0.00001.
gnomAD v4.1: 7 of 1,614,192 alleles (0.00043%); highest among the groups gnomAD compares: Non-Finnish European, 0.00059%; no homozygotes.

Submission:

Victorian Clinical Genetics Services, Murdoch Childrens Research Institute
Classification: Uncertain significance for Intellectual developmental disorder, autosomal dominant 22. Last evaluated: 2020-05-08. Review status: criteria provided, single submitter. Criteria: ACMG Guidelines, 2015. Collection method: clinical testing. Allele origin: germline. Inheritance: Autosomal dominant inheritance. Affected: yes.
Comment: Based on the classification scheme VCGS_Germline_v0.6.1, this variant is classified as 3C-VUS. Following criteria are met: 0102 - Loss of function is a known mechanism of disease for this gene. 0104 - Mechanism of disease for this gene is dominant negative. 0107 - This gene is known to be associated with autosomal dominant disease. 0200 - Variant is predicted to result in a missense amino acid change from lysine to arginine (exon 2). 0301 - Variant is absent from gnomAD. 0502 - Missense variant with conflicting in silico predictions. 0600 - Variant is located in an annotated domain or motif that does not have a well established function (BTB/POZ domain; NCBI). 0705 - No comparable variants in relevant codon/region have previous evidence for pathogenicity. 0807 - Variant has not previously been reported in a clinical context. 0905 - No published segregation evidence has been identified for this variant. 1007 - No published functional evidence has been identified for this variant.